The following is an entry in ClinVar:

NM_182476.3(COQ6):c.56del (p.Gly19fs)

Gene: COQ6 (coenzyme Q6, monooxygenase; plus strand). Cytogenetic location: 14q24.3.
Variant type: Deletion.
Coding change: c.56del on transcript NM_182476.3 (MANE Select); coding-DNA position 56, one base deleted (G; older notation c.56delG).
Protein change: p.Gly19fs; shifts the reading frame from glycine 19.
Molecular consequence: frameshift variant. On other transcripts: 5 prime UTR variant (5), intron variant (4).
Genome position (GRCh38, 1-based): chr14:73,950,388, G deleted; the last of 2 consecutive G bases (chr14:73,950,387-73,950,388); deleting either gives the same sequence. VCF-style (leftmost placement, unchanged base first): chr14-73950386-CG-C. GRCh37 (hg19) VCF-style: chr14-74417089-CG-C.
Other names: c.56del, p.Gly19fs (NM_001425255.1, NM_001425256.1, NM_001425262.1); c.-51del (NM_001425257.1); c.-213del (NM_001425260.1); c.-374del (NM_001425263.1); c.-295del (NM_001425264.1); c.-354del (NM_001425265.1); c.88+208del (NM_001425258.1, NM_182480.3); c.-4+208del (NM_001425259.1, NM_001425261.1); short protein forms G19fs.
Identifiers: ClinVar variation 5019457 (VCV005019457.2).

ClinVar aggregate classification (germline): Likely pathogenic (1 of 4 stars; one submission).

Conditions:
Familial steroid-resistant nephrotic syndrome with sensorineural deafness. Identifiers: Orphanet 280406, MedGen C3553349, MONDO:0013836, OMIM 614650.

Submission:

Juno Genomics, Hangzhou Juno Genomics, Inc
Classification: Likely pathogenic for Familial steroid-resistant nephrotic syndrome with sensorineural deafness. Review status: criteria provided, single submitter. Criteria: ACMG Guidelines, 2015. Collection method: clinical testing. Allele origin: germline.
Comment: Absent from controls (or at extremely low frequency if recessive) in Genome Aggregation Database.;Null variant in a gene where loss of function (LOF) is a known mechanism of disease.